The following is an entry in ClinVar:

ClinVar aggregate classification (germline): Benign. Review status: criteria provided, multiple submitters, no conflicts (2 of 4 stars). 2 submissions from 2 submitters: Benign (2). Last evaluated 2024-01-24.

Allele frequency attached by ClinVar (database versions not stated): ExAC 0.52234; ESP Exome Variant Server 0.52234; TOPMed 0.57061; 1000 Genomes Project 30x 0.67367; 1000 Genomes Project 0.67709.

Submissions (3):

Unidad de Genómica Garrahan, Hospital de Pediatría Garrahan
Classification: Benign. Last evaluated: 2024-01-24. Review status: criteria provided, single submitter. Criteria: ACMG Guidelines, 2015. Collection method: clinical testing. Allele origin: germline. Affected: no. Observed: 69 variant alleles.
Comment: This variant is classified as Benign based on local population frequency. This variant was detected in 73% of patients studied by a panel of primary immunodeficiencies. Number of patients: 69. Only high quality variants are reported.

Mayo Clinic Laboratories, Mayo Clinic
Classification: Benign. Last evaluated: 2022-09-06. Review status: criteria provided, single submitter. Criteria: ACMG Guidelines, 2015. Collection method: clinical testing. Allele origin: germline. Observed: 2 variant alleles.

Dr. Peter K. Rogan Lab, Western University
No classification provided (evidence only). Condition: Germ cell tumor of testis. Review status: no classification provided. Collection method: in vitro. Allele origin: not applicable. Functional consequence: retained intron. Not counted in ClinVar's aggregate classification.

NM_138636.5(TLR8):c.645C>T (p.His215=)

Genes: TLR8 (toll like receptor 8; plus strand), TLR8-AS1 (TLR8 antisense RNA 1; minus strand). Cytogenetic location: Xp22.2.
Variant type: single nucleotide variant.
Coding change: c.645C>T on transcript NM_138636.5 (MANE Select); coding-DNA position 645, C replaced by T.
Protein change: p.His215=; no amino-acid change (histidine 215 retained).
Molecular consequence: synonymous variant.
Genome position (GRCh38, 1-based): chrX:12,919,685, C>T. VCF-style: chrX-12919685-C-T. GRCh37 (hg19) VCF-style: chrX-12937804-C-T.
Other names: NC_000023.10:g.12937804C>T; p.His215=; c.699C>T, p.His233= (NM_016610.4).
Identifiers: ClinVar variation 2688009 (VCV002688009.4), dbSNP rs5744080, ClinGen allele CA10350231.